The following is an entry in ClinVar:

ClinVar aggregate classification (germline): Conflicting classifications of pathogenicity. Review status: criteria provided, conflicting classifications (1 of 4 stars). 2 submissions from 2 submitters: Uncertain significance (1); Likely benign (1). Last evaluated 2026-07-10.

Conditions:
Renal cell carcinoma. Identifiers: Orphanet 217071, MedGen C0007134, MeSH D002292, MONDO:0005086, HP:0005584.
Hereditary cancer-predisposing syndrome. Also called: Tumor predisposition; Hereditary Cancer Syndrome; Hereditary neoplastic syndrome; Neoplastic Syndromes, Hereditary. Identifiers: Orphanet 140162, MedGen C0027672, MeSH D009386, MONDO:0015356.

Submissions (2):

Ambry Genetics
Classification: Likely benign for Hereditary cancer-predisposing syndrome. Last evaluated: 2026-07-10. Review status: criteria provided, single submitter. Criteria: Ambry Variant Classification Scheme 2023. Collection method: clinical testing. Allele origin: germline.

Labcorp Genetics (formerly Invitae), Labcorp
Classification: Uncertain significance for Renal cell carcinoma. Last evaluated: 2025-05-30. Review status: criteria provided, single submitter. Criteria: Invitae Variant Classification Sherloc (09022015). Collection method: clinical testing. Allele origin: germline.
Comment: This sequence change replaces arginine, which is basic and polar, with lysine, which is basic and polar, at codon 802 of the MET protein (p.Arg802Lys). This variant is not present in population databases (gnomAD no frequency). This variant has not been reported in the literature in individuals affected with MET-related conditions. ClinVar contains an entry for this variant (Variation ID: 1006899). Invitae Evidence Modeling of protein sequence and biophysical properties (such as structural, functional, and spatial information, amino acid conservation, physicochemical variation, residue mobility, and thermodynamic stability) indicates that this missense variant is not expected to disrupt MET protein function with a negative predictive value of 80%. In summary, the available evidence is currently insufficient to determine the role of this variant in disease. Therefore, it has been classified as a Variant of Uncertain Significance.

NM_000245.4(MET):c.2351G>A (p.Arg784Lys)

Gene: MET (MET proto-oncogene, receptor tyrosine kinase; plus strand). Cytogenetic location: 7q31.2.
Variant type: single nucleotide variant.
Coding change: c.2351G>A on transcript NM_000245.4 (MANE Select); coding-DNA position 2351, G replaced by A.
Protein change: p.Arg784Lys; replaces arginine 784 with lysine.
Molecular consequence: missense variant.
Genome position (GRCh38, 1-based): chr7:116,759,477, G>A. VCF-style: chr7-116759477-G-A. GRCh37 (hg19) VCF-style: chr7-116399531-G-A.
Other names: c.2405G>A (NM_001127500.1); c.2405G>A, p.Arg802Lys (NM_001127500.3); c.2351G>A, p.Arg784Lys (NM_001324401.3); c.1061G>A, p.Arg354Lys (NM_001324402.2); short protein forms R354K, R784K, R802K.
Identifiers: ClinVar variation 1006899 (VCV001006899.12), dbSNP rs1794313115, ClinGen allele CA368982531.